The following is an entry in ClinVar:

ClinVar aggregate classification (germline): Conflicting classifications of pathogenicity. Review status: criteria provided, conflicting classifications (1 of 4 stars). 2 submissions from 2 submitters: Uncertain significance (1); Likely benign (1). Last evaluated 2023-11-13.

Conditions:
SNTA1-related disorder. Also called: SNTA1-related condition.
Cardiovascular phenotype. Identifiers: MedGen CN230736.

Allele frequency attached by ClinVar (database versions not stated): TOPMed 0.00001.
gnomAD v4.1: 1 of 1,329,994 alleles (0.000075%); no homozygotes.

Submissions (2):

Ambry Genetics
Classification: Likely benign for Cardiovascular phenotype. Last evaluated: 2023-11-13. Review status: criteria provided, single submitter. Criteria: Ambry Variant Classification Scheme 2023. Collection method: clinical testing. Allele origin: germline.

PreventionGenetics, part of Exact Sciences
Classification: Uncertain significance for SNTA1-related condition. Last evaluated: 2023-06-23. Review status: criteria provided, single submitter. Criteria: ACMG Guidelines, 2015. Collection method: clinical testing. Allele origin: germline.
Comment: The SNTA1 c.62C>T variant is predicted to result in the amino acid substitution p.Ser21Leu. To our knowledge, this variant has not been reported in the literature or in a large population database, indicating this variant is rare. At this time, the clinical significance of this variant is uncertain due to the absence of conclusive functional and genetic evidence.

NM_003098.3(SNTA1):c.62C>T (p.Ser21Leu)

Genes: SNTA1 (syntrophin alpha 1; minus strand), LOC130065680 (ATAC-STARR-seq lymphoblastoid silent region 12812; plus strand). Cytogenetic location: 20q11.21.
Variant type: single nucleotide variant.
Coding change: c.62C>T on transcript NM_003098.3 (MANE Select); coding-DNA position 62, C replaced by T.
Protein change: p.Ser21Leu; replaces serine 21 with leucine.
Molecular consequence: missense variant.
Genome position (GRCh38, 1-based): chr20:33,443,559, G>A on the plus strand (C>T on the coding strand, the complement: SNTA1 is on the minus strand). VCF-style: chr20-33443559-G-A. GRCh37 (hg19) VCF-style: chr20-32031365-G-A.
Other names: c.62C>T, p.Ser21Leu (NM_001424413.1, NM_001424414.1); short protein forms S21L.
Identifiers: ClinVar variation 2629505 (VCV002629505.2), dbSNP rs866386973, ClinGen allele CA313279141.
Genomic context (GRCh38, chr20:33,443,559, plus strand): 5'-GTCAGCACGTCCTCCGCCAGACTCAGCAGCACCCGCTGCCATCGCTCGCCGCCGGCCCCC[G>A]AGCCCGCCCCGGCGCGCAGCTCCAGCAGCCCGGTGCGCGGGGCGCGCCTGCCGGACGCCA-3'
Protein context (NP_003089.1, residues 11-31): GLLELRAGAG[Ser21Leu]GAGGERWQRV